The following is an entry in ClinVar:

Conditions:
Breast-ovarian cancer, familial, susceptibility to, 1 (BROVCA1). Also called: BRCA1 Hereditary Breast and Ovarian Cancer; OVARIAN CANCER, SUSCEPTIBILITY TO. Identifiers: Orphanet 145, MedGen C2676676, MONDO:0011450, OMIM 604370. Disease mechanism: loss of function.

Submission:

Brotman Baty Institute, University of Washington
No classification provided (evidence only). Condition: Breast-ovarian cancer, familial 1. Review status: no classification provided. Collection method: in vitro. Allele origin: not applicable. Functional consequence: functionally_normal.
ClinVar note: "not provided" was previously submitted as the classification for the variant. However, the classification appeared to be based only on an observation of functional data so it was converted to no classification on 2025-07-30.

NM_007294.4(BRCA1):c.5194-4T>A

Gene: BRCA1 (BRCA1 DNA repair associated; minus strand). Cytogenetic location: 17q21.31.
Variant type: single nucleotide variant.
Coding change: c.5194-4T>A on transcript NM_007294.4 (MANE Select); 4 bases into the intron before coding-DNA position 5194, T replaced by A.
Molecular consequence: intron variant.
Genome position (GRCh38, 1-based): chr17:43,057,139, A>T on the plus strand (T>A on the coding strand, the complement: BRCA1 is on the minus strand). VCF-style: chr17-43057139-A-T. GRCh37 (hg19) VCF-style: chr17-41209156-A-T.
Other names: c.1741-4T>A (NM_001408458.1, NM_001408461.1, NM_001408464.1 and 7 more transcripts); c.4303-4T>A (NM_001407967.1); c.4813-4T>A (NM_001407959.1); c.4927-4T>A (NM_001407931.1, NM_001407932.1, NM_001407928.1 and 4 more transcripts); c.5050-4T>A (NM_001407747.1, NM_001407745.1, NM_001407737.1 and 21 more transcripts); c.4810-4T>A (NM_001407962.1, NM_001407960.1); c.1381-4T>A (NM_001408512.1); c.1504-4T>A (NM_001408510.1); and 72 more.
Identifiers: ClinVar variation 868169 (VCV000868169.3), dbSNP rs1057524456, ClinGen allele CA916081187.
Genomic context (GRCh38, chr17:43,057,139, plus strand): 5'-CTTTGGACCTTGGTGGTTTCTTCCATTGACCACATCTCCTCTGACTTCAAAATCATGCTG[A>T]AAGAAACCAAACACAACCCATCAGGATAAGAGAAAGAGAAGCTTCCTTCAATGGAAGTGG-3'